The following is an entry in ClinVar:

NM_033380.3(COL4A5):c.4808A>G (p.Tyr1603Cys)

Gene: COL4A5 (collagen type IV alpha 5 chain; plus strand). Cytogenetic location: Xq22.3.
Variant type: single nucleotide variant.
Coding change: c.4808A>G on transcript NM_033380.3 (MANE Select); coding-DNA position 4808, A replaced by G.
Protein change: p.Tyr1603Cys; replaces tyrosine 1603 with cysteine.
Molecular consequence: missense variant.
Genome position (GRCh38, 1-based): chrX:108,694,908, A>G. VCF-style: chrX-108694908-A-G. GRCh37 (hg19) VCF-style: chrX-107938138-A-G.
Other names: c.4790A>G, p.Tyr1597Cys (NM_000495.5); short protein forms Y1597C, Y1603C.
Identifiers: ClinVar variation 1803954 (VCV001803954.8), dbSNP rs104886298, ClinGen allele CA259117.

ClinVar aggregate classification (germline): Pathogenic/Likely pathogenic. Review status: criteria provided, multiple submitters, no conflicts (2 of 4 stars). 3 submissions from 3 submitters: Pathogenic (1); Likely pathogenic (2). Last evaluated 2025-10-22.

Conditions:
X-linked Alport syndrome (ATS1). Also called: NEPHROPATHY AND DEAFNESS, X-LINKED; COL4A5-Related Nephropathy. Identifiers: Orphanet 63, Orphanet 88917, MedGen C4746986, MONDO:0010520, OMIM 301050.

Submissions (3):

Victorian Clinical Genetics Services, Murdoch Childrens Research Institute
Classification: Pathogenic for X-linked Alport syndrome. Last evaluated: 2025-10-22. Review status: criteria provided, single submitter. Criteria: ACMG Guidelines, 2015. Collection method: clinical testing. Allele origin: germline. Affected: yes.
Comment: This variant is classified as Pathogenic. Evidence in support of pathogenic classification: Variant is absent from gnomAD (v2, v3, v4); This variant has moderate previous evidence of pathogenicity in unrelated individuals. The variant has previously been reported as pathogenic/likely pathogenic in individuals with X-linked Alport syndrome (ClinVar, Global Variome shared LOVD, PMID: 8887300, PMID: 12105244); Another missense variant comparable to the one identified in this case has limited previous evidence for pathogenicity. The variant p.(Tyr1603His) has been reported as pathogenic in the Global Variome shared LOVD; Missense variant consistently predicted to be damaging by multiple in silico tools and highly conserved with a major amino acid change; Strong phenotype match for this individual; Additional information: Variant is predicted to result in a missense amino acid change from tyrosine to cysteine; This variant is heterozygous; This gene is associated with X-linked dominant disease. Males are typically more severely affected than females (PMID: 19965530); No published segregation evidence has been identified for this variant; No published functional evidence has been identified for this variant; Variant is located in the annotated C4 domain (DECIPHER); Dominant negative and loss of function are known mechanisms of disease in this gene and are associated with X-linked Alport syndrome 1 (MIM#301050). Dominant negative is caused mostly glycine substitutions that affect the conformation of the protein, and loss of function can be caused by either protein truncating or missense variants (PMID: 24046192, PMID: 12028435); Variants in this gene are known to have variable expressivity. There is intra-familial variability among affected carrier females, possibly due to variable X-inactivation (PMID: 14514738).

Labcorp Genetics (formerly Invitae), Labcorp
Classification: Likely pathogenic. Last evaluated: 2023-03-10. Review status: criteria provided, single submitter. Criteria: Invitae Variant Classification Sherloc (09022015). Collection method: clinical testing. Allele origin: germline.
Comment: In summary, the currently available evidence indicates that the variant is pathogenic, but additional data are needed to prove that conclusively. Therefore, this variant has been classified as Likely Pathogenic. Advanced modeling of protein sequence and biophysical properties (such as structural, functional, and spatial information, amino acid conservation, physicochemical variation, residue mobility, and thermodynamic stability) performed at Invitae indicates that this missense variant is expected to disrupt COL4A5 protein function. ClinVar contains an entry for this variant (Variation ID: 1803954). This variant is also known as A4992>G. This missense change has been observed in individuals with clinical features of Alport syndrome (PMID: 12105244; Invitae). This variant is not present in population databases (gnomAD no frequency). This sequence change replaces tyrosine, which is neutral and polar, with cysteine, which is neutral and slightly polar, at codon 1597 of the COL4A5 protein (p.Tyr1597Cys).

Institute of Human Genetics Munich, TUM University Hospital
Classification: Likely pathogenic for X-linked Alport syndrome. Last evaluated: 2021-09-07. Review status: criteria provided, single submitter. Criteria: Classification criteria August 2017. Collection method: clinical testing. Allele origin: germline. Inheritance: X-linked inheritance. Affected: yes. Observed: 1 variant allele.

Literature cited by the submitters: PubMed 24046192 (cited by Victorian Clinical Genetics Services, Murdoch Childrens Research Institute); PubMed 12028435 (cited by Victorian Clinical Genetics Services, Murdoch Childrens Research Institute); PubMed 14514738 (cited by Victorian Clinical Genetics Services, Murdoch Childrens Research Institute); PubMed 19965530 (cited by Victorian Clinical Genetics Services, Murdoch Childrens Research Institute); PubMed 8887300 (cited by Victorian Clinical Genetics Services, Murdoch Childrens Research Institute); PubMed 12105244 (cited by Victorian Clinical Genetics Services, Murdoch Childrens Research Institute and Labcorp Genetics (formerly Invitae), Labcorp).